The following is an entry in ClinVar:

ClinVar aggregate classification (germline): Benign. Review status: criteria provided, multiple submitters, no conflicts (2 of 4 stars). 2 submissions from 2 submitters: Benign (2). Last evaluated 2021-05-22.

Conditions:
Sideroblastic anemia 2. Also called: Anemia, sideroblastic, 2, pyridoxine-refractory. Identifiers: Orphanet 260305, MedGen C4225425, MONDO:0008785, OMIM 205950.

Allele frequency attached by ClinVar (database versions not stated): gnomAD exomes 0.00216; gnomAD 0.01562 and 0.01690; 1000 Genomes Project 0.01717; 1000 Genomes Project 30x 0.01718; TOPMed 0.01811.
gnomAD v4.1: 2,532 of 237,048 alleles (1.1%); highest among the groups gnomAD compares: African/African-American, 5.3%; 68 homozygotes.

Submissions (2):

GeneDx
Classification: Benign. Last evaluated: 2021-05-22. Review status: criteria provided, single submitter. Criteria: GeneDx Variant Classification Process June 2021. Collection method: clinical testing. Allele origin: germline. Affected: yes.

Illumina Laboratory Services, Illumina
Classification: Benign for Sideroblastic anemia 2. Last evaluated: 2018-01-13. Review status: criteria provided, single submitter. Criteria: ICSL Variant Classification Criteria 13 December 2019. Collection method: clinical testing. Allele origin: germline.
Comment: This variant was observed in the ICSL laboratory as part of a predisposition screen in an ostensibly healthy population. It had not been previously curated by ICSL or reported in the Human Gene Mutation Database (HGMD: prior to June 1st, 2018), and was therefore a candidate for classification through an automated scoring system. Utilizing variant allele frequency, disease prevalence and penetrance estimates, and inheritance mode, an automated score was calculated to assess if this variant is too frequent to cause the disease. Based on the score and internal cut-off values, a variant classified as benign is not then subjected to further curation. The score for this variant resulted in a classification of benign for this disease.

NM_017875.4(SLC25A38):c.*472G>T

Gene: SLC25A38 (solute carrier family 25 member 38; plus strand). Cytogenetic location: 3p22.1.
Variant type: single nucleotide variant.
Coding change: c.*472G>T on transcript NM_017875.4 (MANE Select); 472 bases downstream of the stop codon, G replaced by T.
Molecular consequence: 3 prime UTR variant.
Genome position (GRCh38, 1-based): chr3:39,396,992, G>T. VCF-style: chr3-39396992-G-T. GRCh37 (hg19) VCF-style: chr3-39438483-G-T.
Other names: c.*472G>T (LRG_1133t1); c.*506G>T (NM_001354798.2).
Identifiers: ClinVar variation 345157 (VCV000345157.7), dbSNP rs141567816, ClinGen allele CA10618732.